The following is an entry in ClinVar:

NM_001267550.2(TTN):c.9513T>C (p.Asn3171=)

Gene: TTN (titin; minus strand). Cytogenetic location: 2q31.2.
Variant type: single nucleotide variant.
Coding change: c.9513T>C on transcript NM_001267550.2 (MANE Select); coding-DNA position 9513, T replaced by C.
Protein change: p.Asn3171=; no amino-acid change (asparagine 3171 retained).
Molecular consequence: synonymous variant.
Genome position (GRCh38, 1-based): chr2:178,766,571, A>G on the plus strand (T>C on the coding strand, the complement: TTN is on the minus strand). VCF-style: chr2-178766571-A-G. GRCh37 (hg19) VCF-style: chr2-179631298-A-G.
Other names: c.9513T>C, p.Asn3171= (NM_001256850.1, NM_133378.4, NM_133379.5); c.9375T>C, p.Asn3125= (NM_003319.4, NM_133432.3, NM_133437.4).
Identifiers: ClinVar variation 697564 (VCV000697564.13), dbSNP rs373901032, ClinGen allele CA2004299.

ClinVar aggregate classification (germline): Likely benign. Review status: criteria provided, multiple submitters, no conflicts (2 of 4 stars). 3 submissions from 3 submitters: Likely benign (3). Last evaluated 2025-07-24.

Conditions:
Autosomal recessive limb-girdle muscular dystrophy type 2J (LGMDR10). Also called: MUSCULAR DYSTROPHY, LIMB-GIRDLE, AUTOSOMAL RECESSIVE 10; Limb-girdle muscular dystrophy, type 2J. Identifiers: Orphanet 140922, MedGen C1837342, MONDO:0012127, OMIM 608807.
Dilated cardiomyopathy 1G (CMD1G). Identifiers: Orphanet 154, MedGen C1858763, MONDO:0011400, OMIM 604145.

Allele frequency attached by ClinVar (database versions not stated): ExAC 0.00001; gnomAD 0.00001; gnomAD exomes 0.00001; ESP Exome Variant Server 0.00008.
gnomAD v4.1: 9 of 1,613,978 alleles (0.00056%); highest among the groups gnomAD compares: East Asian, 0.0022%; no homozygotes.

Submissions (3):

Molecular Diagnostic Laboratory for Inherited Cardiovascular Disease, Montreal Heart Institute
Classification: Likely benign. Last evaluated: 2025-07-24. Review status: criteria provided, single submitter. Criteria: ACMG Guidelines, 2015. Collection method: clinical testing. Allele origin: germline. Affected: no.
Comment: BP7

Labcorp Genetics (formerly Invitae), Labcorp
Classification: Likely benign for Dilated cardiomyopathy 1G; Autosomal recessive limb-girdle muscular dystrophy type 2J. Last evaluated: 2022-09-06. Review status: criteria provided, single submitter. Criteria: Invitae Variant Classification Sherloc (09022015). Collection method: clinical testing. Allele origin: germline.

Blueprint Genetics
Classification: Likely benign. Last evaluated: 2021-10-07. Review status: criteria provided, single submitter. Criteria: ACMG Guidelines, 2015. Collection method: clinical testing. Allele origin: germline.